The following is an entry in ClinVar:

NM_003640.5(ELP1):c.3889A>G (p.Met1297Val)

Gene: ELP1 (elongator acetyltransferase complex subunit 1; minus strand). Cytogenetic location: 9q31.3.
Variant type: single nucleotide variant.
Coding change: c.3889A>G on transcript NM_003640.5 (MANE Select); coding-DNA position 3889, A replaced by G.
Protein change: p.Met1297Val; replaces methionine 1297 with valine.
Molecular consequence: missense variant.
Genome position (GRCh38, 1-based): chr9:108,874,937, T>C on the plus strand (A>G on the coding strand, the complement: ELP1 is on the minus strand). VCF-style: chr9-108874937-T-C. GRCh37 (hg19) VCF-style: chr9-111637217-T-C.
Other names: c.3547A>G, p.Met1183Val (NM_001318360.2); c.2842A>G, p.Met948Val (NM_001330749.2); short protein forms M1183V, M1297V, M948V.
Identifiers: ClinVar variation 1320281 (VCV001320281.8), dbSNP rs769146127, ClinGen allele CA5174142.
Genomic context (GRCh38, chr9:108,874,937, plus strand): 5'-ATGAGAAAAAATACTAACCAAGAACAGGAACCGAAGTCTTCTGTTGCTGATAAGATGCCA[T>C]GATACTATTTGCAGTAGAATTGGGACCTAGAACCTGAGGAGAAAATAGACTGTATCAGCA-3'
Protein context (NP_003631.2, residues 1287-1307): LGPNSTANSI[Met1297Val]ASYQQQKTSV

ClinVar aggregate classification (germline): Uncertain significance. Review status: criteria provided, multiple submitters, no conflicts (2 of 4 stars). 3 submissions from 3 submitters: Uncertain significance (3). Last evaluated 2024-01-06.

Conditions:
Medulloblastoma (MDB). Also called: MEDULLOBLASTOMA PREDISPOSITION SYNDROME; Medulloblastoma, somatic. Identifiers: Orphanet 616, MedGen C0025149, MeSH D008527, MONDO:0007959, OMIM 155255, HP:0002885.
Familial dysautonomia. Also called: FD; HSAN III. Identifiers: Orphanet 1764, MedGen C0013364, MONDO:0009131, OMIM 223900. Disease mechanism: loss of function.

Allele frequency attached by ClinVar (database versions not stated): gnomAD exomes 0.00001 and 0.00003; TOPMed 0.00002; ExAC 0.00004.

Submissions (3):

Fulgent Genetics
Classification: Uncertain significance for Medulloblastoma; Familial dysautonomia. Last evaluated: 2024-01-06. Review status: criteria provided, single submitter. Criteria: ACMG Guidelines, 2015. Collection method: clinical testing. Allele origin: germline.

Labcorp Genetics (formerly Invitae), Labcorp
Classification: Uncertain significance. Last evaluated: 2021-10-28. Review status: criteria provided, single submitter. Criteria: Invitae Variant Classification Sherloc (09022015). Collection method: clinical testing. Allele origin: germline.
Comment: This sequence change replaces methionine, which is neutral and non-polar, with valine, which is neutral and non-polar, at codon 1297 of the ELP1 protein (p.Met1297Val). This variant is present in population databases (rs769146127, gnomAD 0.02%). This variant has not been reported in the literature in individuals affected with ELP1-related conditions. Algorithms developed to predict the effect of missense changes on protein structure and function (SIFT, PolyPhen-2, Align-GVGD) all suggest that this variant is likely to be tolerated. In summary, the available evidence is currently insufficient to determine the role of this variant in disease. Therefore, it has been classified as a Variant of Uncertain Significance.

St. Jude Molecular Pathology, St. Jude Children's Research Hospital
Classification: Uncertain significance for Medulloblastoma. Last evaluated: 2021-08-26. Review status: criteria provided, single submitter. Criteria: St. Jude Assertion Criteria 2020. Collection method: clinical testing. Allele origin: germline.
Comment: The ELP1 c.3889A>G (p.Met1297Val) missense change has a maximum subpopulation frequency of 0.023% in gnomAD v2.1.1. Six of seven in silico tools predict a benign effect of this variant on protein function (BP4), but to our knowledge these predictions have not been confirmed by functional assays. To our knowledge, this variant has not been reported in individuals with a personal or family history of medulloblastoma. In summary, this variant meets criteria to be classified as of uncertain significance based on the ACMG/AMP criteria: BP4.